The following is an entry in ClinVar:

NM_004446.3(EPRS1):c.3711+4T>C

Gene: EPRS1 (glutamyl-prolyl-tRNA synthetase 1; minus strand). Cytogenetic location: 1q41.
Variant type: single nucleotide variant.
Coding change: c.3711+4T>C on transcript NM_004446.3 (MANE Select); 4 bases into the intron after coding-DNA position 3711, T replaced by C.
Molecular consequence: intron variant.
Genome position (GRCh38, 1-based): chr1:219,980,081, A>G on the plus strand (T>C on the coding strand, the complement: EPRS1 is on the minus strand). VCF-style: chr1-219980081-A-G. GRCh37 (hg19) VCF-style: chr1-220153423-A-G.
Identifiers: ClinVar variation 3089875 (VCV003089875.2), dbSNP rs370984363, ClinGen allele CA1399623.

ClinVar aggregate classification (germline): Uncertain significance. Review status: criteria provided, single submitter (1 of 4 stars). 2 submissions from 2 submitters: Uncertain significance (1). 1 of the submissions does not count toward it. Last evaluated 2022-08-19.

Conditions:
Inborn genetic diseases. Identifiers: MedGen C0950123, MeSH D030342.
EPRS1-related disorder. Also called: EPRS1-related condition.

Allele frequency attached by ClinVar (database versions not stated): gnomAD exomes 0.00001; ExAC 0.00007; gnomAD 0.00011; ESP Exome Variant Server 0.00015; TOPMed 0.00015.
gnomAD v4.1: 44 of 1,613,014 alleles (0.0027%); highest among the groups gnomAD compares: African/African-American, 0.04%; no homozygotes.

Submissions (2):

Ambry Genetics
Classification: Uncertain significance for Inborn genetic diseases. Last evaluated: 2022-08-19. Review status: criteria provided, single submitter. Criteria: Ambry Variant Classification Scheme 2023. Collection method: clinical testing. Allele origin: germline.
Comment: The c.3711+4T>C intronic alteration consists of a T to C substitution 4 nucleotides after exon 26 of the EPRS gene. Based on insufficient or conflicting evidence, the clinical significance of this alteration remains unclear.

PreventionGenetics, part of Exact Sciences
Classification: Likely benign for EPRS1-related condition. Last evaluated: 2024-08-08. Review status: no assertion criteria provided. Collection method: clinical testing. Allele origin: germline. Not counted in ClinVar's aggregate classification.
Comment: This variant is classified as likely benign based on ACMG/AMP sequence variant interpretation guidelines (Richards et al. 2015 PMID: 25741868, with internal and published modifications).